The following is an entry in ClinVar:

ClinVar aggregate classification (germline): Benign. Review status: criteria provided, multiple submitters, no conflicts (2 of 4 stars). 3 submissions from 3 submitters: Benign (3). Last evaluated 2018-01-13.

Conditions:
Leukocyte adhesion deficiency 1 (LAD1). Also called: LEUKOCYTE ADHESION DEFICIENCY, TYPE I; LAD 1; Lymphocyte function-associated antigen 1 immunodeficiency; LFA 1 immunodeficiency. Identifiers: Orphanet 2968, Orphanet 99842, MedGen C0398738, MONDO:0007293, OMIM 116920.

Allele frequency attached by ClinVar (database versions not stated): 1000 Genomes Project 0.15835; 1000 Genomes Project 30x 0.16084; TOPMed 0.19535; gnomAD 0.19549 and 0.19694.
gnomAD v4.1: 204,881 of 1,002,834 alleles (20%); highest among the groups gnomAD compares: Middle Eastern, 30%; 22,181 homozygotes.

Submissions (3):

Illumina Laboratory Services, Illumina
Classification: Benign for Leukocyte adhesion deficiency 1. Last evaluated: 2018-01-13. Review status: criteria provided, single submitter. Criteria: ICSL Variant Classification Criteria 13 December 2019. Collection method: clinical testing. Allele origin: germline.
Comment: This variant was observed in the ICSL laboratory as part of a predisposition screen in an ostensibly healthy population. It had not been previously curated by ICSL or reported in the Human Gene Mutation Database (HGMD: prior to June 1st, 2018), and was therefore a candidate for classification through an automated scoring system. Utilizing variant allele frequency, disease prevalence and penetrance estimates, and inheritance mode, an automated score was calculated to assess if this variant is too frequent to cause the disease. Based on the score and internal cut-off values, a variant classified as benign is not then subjected to further curation. The score for this variant resulted in a classification of benign for this disease.

GeneDx
Classification: Benign. Last evaluated: 2015-03-03. Review status: criteria provided, single submitter. Criteria: GeneDx Variant Classification Process June 2021. Collection method: clinical testing. Allele origin: germline. Affected: yes.

Breakthrough Genomics
Classification: Benign. Review status: criteria provided, single submitter. Criteria: ACMG Guidelines, 2015. Collection method: not provided. Allele origin: germline. Inheritance: Autosomal recessive inheritance. Affected: yes.

NM_000211.5(ITGB2):c.*122G>A

Gene: ITGB2 (integrin subunit beta 2; minus strand). Cytogenetic location: 21q22.3.
Variant type: single nucleotide variant.
Coding change: c.*122G>A on transcript NM_000211.5 (MANE Select); 122 bases downstream of the stop codon, G replaced by A.
Molecular consequence: 3 prime UTR variant.
Genome position (GRCh38, 1-based): chr21:44,886,246, C>T on the plus strand (G>A on the coding strand, the complement: ITGB2 is on the minus strand). VCF-style: chr21-44886246-C-T. GRCh37 (hg19) VCF-style: chr21-46306161-C-T.
Other names: c.*122G>A (LRG_76t1, NM_001127491.3, NM_001303238.2).
Identifiers: ClinVar variation 340134 (VCV000340134.9), dbSNP rs684, ClinGen allele CA10653665.